The following is an entry in ClinVar:

ClinVar aggregate classification (germline): Likely benign (1 of 4 stars; one submission).

Conditions:
PLXNA2-related disorder. Also called: PLXNA2-related condition.

gnomAD v4.1: 2 of 1,608,890 alleles (0.00012%); highest among the groups gnomAD compares: East Asian, 0.0022%; no homozygotes.

Submission:

PreventionGenetics, part of Exact Sciences
Classification: Likely benign for PLXNA2-related condition. Last evaluated: 2025-11-25. Review status: criteria provided, single submitter. Criteria: ACMG Guidelines, 2015. Collection method: clinical testing. Allele origin: germline.
Comment: This variant is classified as likely benign based on ACMG/AMP sequence variant interpretation guidelines (Richards et al. 2015 PMID: 25741868, with internal and published modifications).

NM_025179.4(PLXNA2):c.5055+10C>T

Gene: PLXNA2 (plexin A2; minus strand). Cytogenetic location: 1q32.2.
Variant type: single nucleotide variant.
Coding change: c.5055+10C>T on transcript NM_025179.4 (MANE Select); 10 bases into the intron after coding-DNA position 5055, C replaced by T.
Molecular consequence: intron variant.
Genome position (GRCh38, 1-based): chr1:208,033,309, G>A on the plus strand (C>T on the coding strand, the complement: PLXNA2 is on the minus strand). VCF-style: chr1-208033309-G-A. GRCh37 (hg19) VCF-style: chr1-208206654-G-A.
Identifiers: ClinVar variation 4996019 (VCV004996019.1).